The following is an entry in ClinVar:

ClinVar aggregate classification (germline): Likely pathogenic (1 of 4 stars; one submission).

Conditions:
Combined malonic and methylmalonic acidemia. Identifiers: Orphanet 289504, MedGen C3280314, MONDO:0013661, OMIM 614265.

Submission:

Labcorp Genetics (formerly Invitae), Labcorp
Classification: Likely pathogenic for Combined malonic and methylmalonic acidemia. Last evaluated: 2023-09-12. Review status: criteria provided, single submitter. Criteria: Invitae Variant Classification Sherloc (09022015). Collection method: clinical testing. Allele origin: germline.
Comment: In summary, the currently available evidence indicates that the variant is pathogenic, but additional data are needed to prove that conclusively. Therefore, this variant has been classified as Likely Pathogenic. This variant disrupts a region of the ACSF3 protein in which other variant(s) (p.Pro243Leu) have been observed in individuals with ACSF3-related conditions (PMID: 21841779). This suggests that this is a clinically significant region of the protein, and that variants that disrupt it are likely to be disease-causing. This variant has not been reported in the literature in individuals affected with ACSF3-related conditions. This variant results in the deletion of part of exon 3 and exon 4 (c.22_823-177del) of the ACSF3 gene. It is expected to disrupt RNA splicing. Variants that disrupt the donor or acceptor splice site typically lead to a loss of protein function (PMID: 16199547), and loss-of-function variants in ACSF3 are known to be pathogenic (PMID: 21841779, 26827111).

Literature cited by the submitters: PubMed 21841779; PubMed 16199547; PubMed 26827111.

NC_000016.9:g.(?_89167109)_(89178321_?)del

Gene: ACSF3 (acyl-CoA synthetase family member 3; plus strand). Cytogenetic location: 16q24.3.
Variant type: Deletion.
Identifiers: ClinVar variation 2427528 (VCV002427528.4).